The following is an entry in ClinVar:

ClinVar aggregate classification (germline): Uncertain significance (1 of 4 stars; one submission).

Conditions:
Ichthyosis linearis circumflexa. Identifiers: MedGen C0265962, MONDO:0043106, HP:0025810.

Submission:

Labcorp Genetics (formerly Invitae), Labcorp
Classification: Uncertain significance for Ichthyosis linearis circumflexa. Last evaluated: 2024-03-25. Review status: criteria provided, single submitter. Criteria: Invitae Variant Classification Sherloc (09022015). Collection method: clinical testing. Allele origin: germline.
Comment: This sequence change replaces cysteine, which is neutral and slightly polar, with tyrosine, which is neutral and polar, at codon 381 of the SPINK5 protein (p.Cys381Tyr). This variant is not present in population databases (gnomAD no frequency). This variant has not been reported in the literature in individuals affected with SPINK5-related conditions. Advanced modeling of protein sequence and biophysical properties (such as structural, functional, and spatial information, amino acid conservation, physicochemical variation, residue mobility, and thermodynamic stability) has been performed at Invitae for this missense variant, however the output from this modeling did not meet the statistical confidence thresholds required to predict the impact of this variant on SPINK5 protein function. In summary, the available evidence is currently insufficient to determine the role of this variant in disease. Therefore, it has been classified as a Variant of Uncertain Significance.

NM_006846.4(SPINK5):c.1142G>A (p.Cys381Tyr)

Gene: SPINK5 (serine peptidase inhibitor Kazal type 5; plus strand). Cytogenetic location: 5q32.
Variant type: single nucleotide variant.
Coding change: c.1142G>A on transcript NM_006846.4 (MANE Select); coding-DNA position 1142, G replaced by A.
Protein change: p.Cys381Tyr; replaces cysteine 381 with tyrosine.
Molecular consequence: missense variant.
Genome position (GRCh38, 1-based): chr5:148,100,503, G>A. VCF-style: chr5-148100503-G-A. GRCh37 (hg19) VCF-style: chr5-147480066-G-A.
Other names: c.1142G>A, p.Cys381Tyr (NM_001127698.2, NM_001127699.2); short protein forms C381Y.
Identifiers: ClinVar variation 3646890 (VCV003646890.2).